The following is an entry in ClinVar:

ClinVar aggregate classification (germline): Uncertain significance (1 of 4 stars; one submission).

Conditions:
Joubert syndrome 18 (JBTS18). Identifiers: Orphanet 2754, MedGen C3553758, MONDO:0013896, OMIM 614815.
Orofacial-digital syndrome IV (OFD4). Also called: Orofaciodigital syndrome IV; BARAITSER-BURN SYNDROME; MOHR-MAJEWSKI SYNDROME; OFD SYNDROME WITH TIBIAL DEFECTS; OFD SYNDROME, BARAITSER-BURN TYPE; OFDS IV. Identifiers: Orphanet 2753, MedGen C0406727, MONDO:0009794, OMIM 258860.

Allele frequency attached by ClinVar (database versions not stated): ExAC 0.00001; gnomAD exomes 0.00001.

Submission:

Labcorp Genetics (formerly Invitae), Labcorp
Classification: Uncertain significance for Joubert syndrome 18; Orofacial-digital syndrome IV. Last evaluated: 2021-09-03. Review status: criteria provided, single submitter. Criteria: Invitae Variant Classification Sherloc (09022015). Collection method: clinical testing. Allele origin: germline.
Comment: This sequence change replaces aspartic acid with valine at codon 531 of the TCTN3 protein (p.Asp531Val). The aspartic acid residue is moderately conserved and there is a large physicochemical difference between aspartic acid and valine. This variant is present in population databases (rs747933488, ExAC 0.002%). This variant has not been reported in the literature in individuals affected with TCTN3-related conditions. Algorithms developed to predict the effect of missense changes on protein structure and function output the following: SIFT: "Deleterious"; PolyPhen-2: "Benign"; Align-GVGD: "Class C0". The valine amino acid residue is found in multiple mammalian species, which suggests that this missense change does not adversely affect protein function. In summary, the available evidence is currently insufficient to determine the role of this variant in disease. Therefore, it has been classified as a Variant of Uncertain Significance.

NM_015631.6(TCTN3):c.1592A>T (p.Asp531Val)

Gene: TCTN3 (tectonic family member 3; minus strand). Cytogenetic location: 10q24.1.
Variant type: single nucleotide variant.
Coding change: c.1592A>T on transcript NM_015631.6 (MANE Select); coding-DNA position 1592, A replaced by T.
Protein change: p.Asp531Val; replaces aspartic acid 531 with valine.
Molecular consequence: missense variant.
Genome position (GRCh38, 1-based): chr10:95,664,299, T>A on the plus strand (A>T on the coding strand, the complement: TCTN3 is on the minus strand). VCF-style: chr10-95664299-T-A. GRCh37 (hg19) VCF-style: chr10-97424056-T-A.
Other names: c.1148A>T, p.Asp383Val (NM_001143973.2); short protein forms D383V, D531V.
Identifiers: ClinVar variation 1514650 (VCV001514650.6), dbSNP rs747933488, ClinGen allele CA5620766.
Genomic context (GRCh38, chr10:95,664,299, plus strand): 5'-TGGGTAATGTCCACAAAGTTCACAAGAGTTGTCAAAGATACTTCTGTAACTTGCTGAGAA[T>A]CCTACGGGAAGAAAGTCAATGACAGGTCAGCGCTTGGTACCCATTCATATAGCACTCTAA-3'
Protein context (NP_056446.4, residues 521-541): RFLYQCQSIQ[Asp531Val]SQQVTEVSLT